The following is an entry in ClinVar:

NM_174936.4(PCSK9):c.1980C>T (p.Asp660=)

Gene: PCSK9 (proprotein convertase subtilisin/kexin type 9; plus strand). Cytogenetic location: 1p32.3.
Variant type: single nucleotide variant.
Coding change: c.1980C>T on transcript NM_174936.4 (MANE Select); coding-DNA position 1980, C replaced by T.
Protein change: p.Asp660=; no amino-acid change (aspartic acid 660 retained).
Molecular consequence: synonymous variant. On other transcripts: non-coding transcript variant (8).
Genome position (GRCh38, 1-based): chr1:55,063,485, C>T. VCF-style: chr1-55063485-C-T. GRCh37 (hg19) VCF-style: chr1-55529158-C-T.
Other names: c.2103C>T, p.Asp701= (NM_001407240.1); c.2022C>T, p.Asp674= (NM_001407241.1); c.1983C>T, p.Asp661= (NM_001407242.1); c.1923C>T, p.Asp641= (NM_001407243.1); c.1806C>T, p.Asp602= (NM_001407244.1); c.1788C>T, p.Asp596= (NM_001407245.1); c.1605C>T, p.Asp535= (NM_001407246.1); c.1479C>T, p.Asp493= (NM_001407247.1).
Identifiers: ClinVar variation 681635 (VCV000681635.26), dbSNP rs371914056, ClinGen allele CA040126.

ClinVar aggregate classification (germline): Benign/Likely benign. Review status: criteria provided, multiple submitters, no conflicts (2 of 4 stars). 9 submissions from 9 submitters: Benign (1); Likely benign (8). Last evaluated 2025-09-29.

Conditions:
Cardiovascular phenotype. Identifiers: MedGen CN230736.
Hypercholesterolemia, autosomal dominant, 3 (FHCL3). Also called: Familial Hypercholesterolemia, Autosomal Dominant, 3; PCSK9-Related Familial Hypercholesterolemia, Autosomal Dominant; Familial hypercholesterolemia 3. Identifiers: MedGen C1863551, MONDO:0011369, OMIM 603776.
Familial hypercholesterolemia. Also called: Familial hypercholesterolemias; Familial hypercholesterolaemia. Identifiers: MedGen C0020445, MONDO:0005439.

Allele frequency attached by ClinVar (database versions not stated): ESP Exome Variant Server 0.00008; gnomAD 0.00017 and 0.00018; TOPMed 0.00020.

Submissions (9):

Labcorp Genetics (formerly Invitae), Labcorp
Classification: Likely benign for Hypercholesterolemia, autosomal dominant, 3. Last evaluated: 2025-09-29. Review status: criteria provided, single submitter. Criteria: Invitae Variant Classification Sherloc (09022015). Collection method: clinical testing. Allele origin: germline.

CeGaT Center for Human Genetics Tuebingen
Classification: Likely benign. Last evaluated: 2025-09-01. Review status: criteria provided, single submitter. Criteria: CeGaT Center For Human Genetics Tuebingen Variant Classification Criteria Version 2. Collection method: clinical testing. Allele origin: germline. Affected: yes. Observed: 1 variant allele.
Comment: PCSK9: BP4, BP7

All of Us Research Program, National Institutes of Health
Classification: Likely benign for Hypercholesterolemia, autosomal dominant, 3. Last evaluated: 2023-12-18. Review status: criteria provided, single submitter. Criteria: ACMG Guidelines, 2015. Collection method: clinical testing. Allele origin: germline. Inheritance: Autosomal dominant inheritance. Observed: 11 variant alleles, 11 heterozygotes.
Comment: This study involves interpretation of variants in research participants for the purpose of population health screening. Participant phenotype was not available at the time of variant classification. Additional details can be found in publication PMID: 35346344, PMCID: PMC8962531

GENinCode PLC
Classification: Likely benign for Familial hypercholesterolemia. Last evaluated: 2023-09-27. Review status: criteria provided, single submitter. Criteria: ACMG Guidelines, 2015. Collection method: clinical testing. Allele origin: germline.
Comment: This is a synonymous (silent) variant that is not predicted by SpliceAI to impact splicing. In addition, it occurs at a nucleotide that is not conserved. Therefore this variant has been classified as Likely Benign (BP4, BP7).

Quest Diagnostics Nichols Institute San Juan Capistrano
Classification: Benign. Last evaluated: 2023-01-09. Review status: criteria provided, single submitter. Criteria: Quest Diagnostics criteria. Collection method: clinical testing. Allele origin: unknown.

Ambry Genetics
Classification: Likely benign for Cardiovascular phenotype. Last evaluated: 2022-02-20. Review status: criteria provided, single submitter. Criteria: Ambry Variant Classification Scheme 2023. Collection method: clinical testing. Allele origin: germline.

Fulgent Genetics
Classification: Likely benign for Hypercholesterolemia, autosomal dominant, 3. Last evaluated: 2021-09-25. Review status: criteria provided, single submitter. Criteria: ACMG Guidelines, 2015. Collection method: clinical testing. Allele origin: unknown.

Color Diagnostics, LLC DBA Color Health
Classification: Likely benign for Familial hypercholesterolemia. Last evaluated: 2018-11-14. Review status: criteria provided, single submitter. Criteria: ACMG Guidelines, 2015. Collection method: clinical testing. Allele origin: germline.

GeneDx
Classification: Likely benign. Last evaluated: 2018-04-06. Review status: criteria provided, single submitter. Criteria: GeneDx Variant Classification (06012015). Collection method: clinical testing. Allele origin: germline. Affected: yes.
Comment: This variant is considered likely benign or benign based on one or more of the following criteria: it is a conservative change, it occurs at a poorly conserved position in the protein, it is predicted to be benign by multiple in silico algorithms, and/or has population frequency not consistent with disease.